The following is an entry in ClinVar:

ClinVar aggregate classification (germline): Likely pathogenic (1 of 4 stars; one submission).

Conditions:
Bartter disease type 2. Also called: Bartter syndrome, type 2, antenatal; HYPOKALEMIC ALKALOSIS WITH HYPERCALCIURIA 2, ANTENATAL; HYPERPROSTAGLANDIN E SYNDROME 2. Identifiers: Orphanet 112, Orphanet 620220, MedGen C1855849, MONDO:0009424, OMIM 241200.

Allele frequency attached by ClinVar (database versions not stated): gnomAD exomes below 0.00001; TOPMed below 0.00001; gnomAD 0.00001.
gnomAD v4.1: 3 of 1,614,054 alleles (0.00019%); highest among the groups gnomAD compares: African/African-American, 0.0027%; no homozygotes.

Submission:

Genetics and Molecular Pathology, SA Pathology
Classification: Likely pathogenic for Bartter disease type 2. Last evaluated: 2022-07-21. Review status: criteria provided, single submitter. Criteria: ACMG Guidelines, 2015. Collection method: clinical testing. Allele origin: germline. Inheritance: Autosomal recessive inheritance. Affected: yes.
Comment: The KCNJ1 c.118C>T variant is classified as LIKELY PATHOGENIC (PVS1, PM2) The KCNJ1 c.118C>T variant is a single nucleotide change which is predicted to result in premature termination of the protein product at codon 40 (PVS1). This variant is rare in population databases (gnomAD allele frequency = 0.0013%; 2 het and 0 hom in 152170 sequenced alleles) (PM2). This variant has been reported in dbSNP (rs935108422) but not in ClinVar or HGMD.

NM_153766.3(KCNJ1):c.118C>T (p.Gln40Ter)

Gene: KCNJ1 (potassium inwardly rectifying channel subfamily J member 1; minus strand). Cytogenetic location: 11q24.3.
Variant type: single nucleotide variant.
Coding change: c.118C>T on transcript NM_153766.3 (MANE Select); coding-DNA position 118, C replaced by T.
Protein change: p.Gln40Ter; replaces glutamine 40 with a stop codon.
Molecular consequence: nonsense.
Genome position (GRCh38, 1-based): chr11:128,840,126, G>A on the plus strand (C>T on the coding strand, the complement: KCNJ1 is on the minus strand). VCF-style: chr11-128840126-G-A. GRCh37 (hg19) VCF-style: chr11-128710021-G-A.
Other names: c.175C>T, p.Gln59Ter (NM_000220.6); c.118C>T, p.Gln40Ter (NM_153764.3, NM_153767.4); c.169C>T, p.Gln57Ter (NM_153765.3); short protein forms Q40*, Q57*, Q59*.
Identifiers: ClinVar variation 2664766 (VCV002664766.1), dbSNP rs935108422, ClinGen allele CA230629123.